The following is an entry in ClinVar:

ClinVar aggregate classification (germline): Likely pathogenic (1 of 4 stars; one submission).

Conditions:
Neurofibromatosis, type 1 (NF1). Also called: VON RECKLINGHAUSEN DISEASE; Peripheral type neurofibromatosis; NEUROFIBROMATOSIS, TYPE I, SOMATIC; Neurofibromatosis, type I. Identifiers: Orphanet 636, MedGen C0027831, MONDO:0018975, OMIM 162200. Disease mechanism: loss of function.

Submission:

Department of Genetics, Sultan Qaboos University Hospital
Classification: Likely pathogenic for Neurofibromatosis, type 1. Last evaluated: 2026-04-01. Review status: criteria provided, single submitter. Criteria: ACMG Guidelines, 2015. Collection method: clinical testing. Allele origin: germline. Affected: yes. Observed: 1 variant allele.
Comment: PVS1

NM_001042492.3(NF1):c.6048_6058dup (p.Thr2020fs)

Gene: NF1 (neurofibromin 1; plus strand). Cytogenetic location: 17q11.2.
Variant type: Duplication.
Coding change: c.6048_6058dup on transcript NM_001042492.3 (MANE Select); coding-DNA positions 6048 to 6058, 11 bases duplicated (AACCAGTGCAA).
Protein change: p.Thr2020fs; shifts the reading frame from threonine 2020.
Molecular consequence: frameshift variant.
Genome position (GRCh38, 1-based): chr17:31,336,374-31,336,384, AACCAGTGCAA duplicated; duplicating any 11 consecutive bases within chr17:31,336,371-31,336,384 gives the same sequence; the c. name uses the placement nearest the transcript's 3' end. VCF-style (leftmost placement, unchanged base first): chr17-31336370-T-TCAAAACCAGTG. GRCh37 (hg19) VCF-style: chr17-29663388-T-TCAAAACCAGTG.
Other names: c.5985_5995dup, p.Thr1999fs (NM_000267.4); short protein forms T1999fs, T2020fs.
Identifiers: ClinVar variation 4823932 (VCV004823932.1).